The following is an entry in ClinVar:

NM_001206927.2(DNAH8):c.1124T>A (p.Ile375Asn)

Gene: DNAH8 (dynein axonemal heavy chain 8; plus strand). Cytogenetic location: 6p21.2.
Variant type: single nucleotide variant.
Coding change: c.1124T>A on transcript NM_001206927.2 (MANE Select); coding-DNA position 1124, T replaced by A.
Protein change: p.Ile375Asn; replaces isoleucine 375 with asparagine.
Molecular consequence: missense variant.
Genome position (GRCh38, 1-based): chr6:38,741,718, T>A. VCF-style: chr6-38741718-T-A. GRCh37 (hg19) VCF-style: chr6-38709494-T-A.
Other names: c.473T>A, p.Ile158Asn (NM_001371.4); short protein forms I158N, I375N.
Identifiers: ClinVar variation 2738366 (VCV002738366.3), dbSNP rs759866696, ClinGen allele CA363987459.

ClinVar aggregate classification (germline): Uncertain significance (1 of 4 stars; one submission).

Conditions:
Primary ciliary dyskinesia. Also called: Ciliary dyskinesia. Identifiers: Orphanet 244, MedGen C0008780, MONDO:0016575, HP:0012265.

Submission:

Labcorp Genetics (formerly Invitae), Labcorp
Classification: Uncertain significance for Primary ciliary dyskinesia. Last evaluated: 2023-07-08. Review status: criteria provided, single submitter. Criteria: Invitae Variant Classification Sherloc (09022015). Collection method: clinical testing. Allele origin: germline.
Comment: This variant is not present in population databases (gnomAD no frequency). This variant has not been reported in the literature in individuals affected with DNAH8-related conditions. Experimental studies and prediction algorithms are not available or were not evaluated, and the functional significance of this variant is currently unknown. In summary, the available evidence is currently insufficient to determine the role of this variant in disease. Therefore, it has been classified as a Variant of Uncertain Significance. This sequence change replaces isoleucine, which is neutral and non-polar, with asparagine, which is neutral and polar, at codon 375 of the DNAH8 protein (p.Ile375Asn).